The following is an entry in ClinVar:

NM_032043.3(BRIP1):c.2432_2433insTTT (p.Leu811_Pro812insLeu)

Gene: BRIP1 (BRCA1 interacting DNA helicase 1; minus strand). Cytogenetic location: 17q23.2.
Variant type: Insertion.
Coding change: c.2432_2433insTTT on transcript NM_032043.3 (MANE Select); coding-DNA positions 2432 to 2433, TTT inserted.
Protein change: p.Leu811_Pro812insLeu.
Molecular consequence: inframe insertion.
Genome position: GRCh38 VCF-style: chr17-61716010-T-TAAA. GRCh37 (hg19) VCF-style: chr17-59793371-T-TAAA.
Identifiers: ClinVar variation 3760478 (VCV003760478.2).

ClinVar aggregate classification (germline): Uncertain significance (1 of 4 stars; one submission).

Conditions:
Fanconi anemia complementation group J. Also called: BRIP1-Related Fanconi Anemia. Identifiers: Orphanet 84, MedGen C1836860, MONDO:0012187, OMIM 609054.
Familial cancer of breast. Also called: BREAST CANCER, FAMILIAL; Hereditary breast cancer; hereditary breast carcinoma. Identifiers: Orphanet 227535, MedGen C0346153, MONDO:0016419, OMIM 114480. Disease mechanism: loss of function.

Submission:

Labcorp Genetics (formerly Invitae), Labcorp
Classification: Uncertain significance for Familial cancer of breast; Fanconi anemia complementation group J. Last evaluated: 2025-02-01. Review status: criteria provided, single submitter. Criteria: Invitae Variant Classification Sherloc (09022015). Collection method: clinical testing. Allele origin: germline.
Comment: This variant, c.2432_2433insTTT, results in the insertion of 1 amino acid(s) of the BRIP1 protein (p.Leu811dup), but otherwise preserves the integrity of the reading frame. This variant is not present in population databases (gnomAD no frequency). This variant has not been reported in the literature in individuals affected with BRIP1-related conditions. In summary, the available evidence is currently insufficient to determine the role of this variant in disease. Therefore, it has been classified as a Variant of Uncertain Significance.